The following is an entry in ClinVar:

ClinVar aggregate classification (germline): Uncertain significance. Review status: criteria provided, multiple submitters, no conflicts (2 of 4 stars). 2 submissions from 2 submitters: Uncertain significance (2). Last evaluated 2024-06-17.

Conditions:
Familial visceral amyloidosis, Ostertag type (AMYLD2). Also called: AMYLOIDOSIS VIII; Ostertag type amyloidosis; Hereditary Renal Amyloidosis; Amyloidosis, hepatic and systemic; Familial visceral amyloidosis; AMYLOIDOSIS, HEREDITARY SYSTEMIC 2. Identifiers: Orphanet 85450, MedGen C0268389, MONDO:0007099, OMIM 105200.
Familial dysfibrinogenemia. Also called: Dysfibrinogenemia, congenital. Identifiers: Orphanet 335, Orphanet 98881, MedGen C0272350, MONDO:0014452, OMIM 616004.
Congenital afibrinogenemia. Identifiers: Orphanet 335, Orphanet 98880, MedGen C2584774, MONDO:0008737, OMIM 202400.

gnomAD v4.1: 4 of 1,558,280 alleles (0.00026%); highest among the groups gnomAD compares: Admixed American, 0.0077%; no homozygotes.

Submissions (2):

Fulgent Genetics
Classification: Uncertain significance for Familial visceral amyloidosis, Ostertag type; Congenital afibrinogenemia; Familial dysfibrinogenemia. Last evaluated: 2024-06-17. Review status: criteria provided, single submitter. Criteria: ACMG Guidelines, 2015. Collection method: clinical testing. Allele origin: germline.

Women's Health and Genetics/Laboratory Corporation of America, LabCorp
Classification: Uncertain significance. Last evaluated: 2024-05-15. Review status: criteria provided, single submitter. Criteria: LabCorp Variant Classification Summary - May 2015. Collection method: clinical testing. Allele origin: germline.
Comment: Variant summary: FGA c.40G>A (p.Val14Met) results in a conservative amino acid change in the encoded protein sequence. Four of five in-silico tools predict a benign effect of the variant on protein function. The variant allele was found at a frequency of 3e-05 in 167316 control chromosomes. The available data on variant occurrences in the general population are insufficient to allow any conclusion about variant significance. To our knowledge, no occurrence of c.40G>A in individuals affected with Dysfibrinogenemia, Congenital and no experimental evidence demonstrating its impact on protein function have been reported. No submitters have cited clinical-significance assessments for this variant to ClinVar. Based on the evidence outlined above, the variant was classified as uncertain significance.

NM_021871.4(FGA):c.40G>A (p.Val14Met)

Gene: FGA (fibrinogen alpha chain; minus strand). Cytogenetic location: 4q31.3.
Variant type: single nucleotide variant.
Coding change: c.40G>A on transcript NM_021871.4 (MANE Select); coding-DNA position 40, G replaced by A.
Protein change: p.Val14Met; replaces valine 14 with methionine.
Molecular consequence: missense variant.
Genome position (GRCh38, 1-based): chr4:154,590,648, C>T on the plus strand (G>A on the coding strand, the complement: FGA is on the minus strand). VCF-style: chr4-154590648-C-T. GRCh37 (hg19) VCF-style: chr4-155511800-C-T.
Other names: c.40G>A, p.Val14Met (NM_000508.5); short protein forms V14M.
Identifiers: ClinVar variation 3336575 (VCV003336575.2).